The following is an entry in ClinVar:

ClinVar aggregate classification (germline): Uncertain significance (1 of 4 stars; one submission).

Submission:

Labcorp Genetics (formerly Invitae), Labcorp
Classification: Uncertain significance. Last evaluated: 2023-08-03. Review status: criteria provided, single submitter. Criteria: Invitae Variant Classification Sherloc (09022015). Collection method: clinical testing. Allele origin: germline.
Comment: Advanced modeling of protein sequence and biophysical properties (such as structural, functional, and spatial information, amino acid conservation, physicochemical variation, residue mobility, and thermodynamic stability) performed at Invitae indicates that this missense variant is not expected to disrupt PMPCA protein function. In summary, the available evidence is currently insufficient to determine the role of this variant in disease. Therefore, it has been classified as a Variant of Uncertain Significance. This variant has not been reported in the literature in individuals affected with PMPCA-related conditions. This variant is not present in population databases (gnomAD no frequency). This sequence change replaces methionine, which is neutral and non-polar, with leucine, which is neutral and non-polar, at codon 436 of the PMPCA protein (p.Met436Leu).

NM_015160.3(PMPCA):c.1306A>T (p.Met436Leu)

Gene: PMPCA (peptidase, mitochondrial processing subunit alpha; plus strand). Cytogenetic location: 9q34.3.
Variant type: single nucleotide variant.
Coding change: c.1306A>T on transcript NM_015160.3 (MANE Select); coding-DNA position 1306, A replaced by T.
Protein change: p.Met436Leu; replaces methionine 436 with leucine.
Molecular consequence: missense variant.
Genome position (GRCh38, 1-based): chr9:136,421,874, A>T. VCF-style: chr9-136421874-A-T. GRCh37 (hg19) VCF-style: chr9-139316326-A-T.
Other names: c.913A>T, p.Met305Leu (NM_001282944.2); c.1006A>T, p.Met336Leu (NM_001282946.2); short protein forms M436L, M305L, M336L.
Identifiers: ClinVar variation 2747916 (VCV002747916.3), dbSNP rs775834665, ClinGen allele CA375557304.